The following is an entry in ClinVar:

ClinVar aggregate classification (germline): Uncertain significance. Review status: criteria provided, multiple submitters, no conflicts (2 of 4 stars). 3 submissions from 3 submitters: Uncertain significance (3). Last evaluated 2024-04-10.

Conditions:
Polyps, multiple and recurrent inflammatory fibroid, gastrointestinal. Identifiers: MedGen C5193005, MONDO:0008285, OMIM 175510.
Hereditary cancer-predisposing syndrome. Also called: Tumor predisposition; Neoplastic Syndromes, Hereditary; Hereditary Cancer Syndrome; Hereditary neoplastic syndrome. Identifiers: Orphanet 140162, MedGen C0027672, MeSH D009386, MONDO:0015356.
Gastrointestinal stromal tumor. Also called: Gastrointestinal stromal tumor, somatic; Gastrointestinal stroma tumor. Identifiers: Orphanet 44890, MedGen C0238198, MeSH D046152, MONDO:0011719, OMIM 606764, HP:0100723.

Allele frequency attached by ClinVar (database versions not stated): TOPMed below 0.00001.

Submissions (3):

Labcorp Genetics (formerly Invitae), Labcorp
Classification: Uncertain significance for Gastrointestinal stromal tumor. Last evaluated: 2024-04-10. Review status: criteria provided, single submitter. Criteria: Invitae Variant Classification Sherloc (09022015). Collection method: clinical testing. Allele origin: germline.
Comment: This sequence change replaces aspartic acid, which is acidic and polar, with asparagine, which is neutral and polar, at codon 244 of the PDGFRA protein (p.Asp244Asn). This variant is not present in population databases (gnomAD no frequency). This variant has not been reported in the literature in individuals affected with PDGFRA-related conditions. ClinVar contains an entry for this variant (Variation ID: 1512628). An algorithm developed to predict the effect of missense changes on protein structure and function (PolyPhen-2) suggests that this variant is likely to be tolerated. In summary, the available evidence is currently insufficient to determine the role of this variant in disease. Therefore, it has been classified as a Variant of Uncertain Significance.

Baylor Genetics
Classification: Uncertain significance for Polyps, multiple and recurrent inflammatory fibroid, gastrointestinal. Last evaluated: 2023-10-26. Review status: criteria provided, single submitter. Criteria: ACMG Guidelines, 2015. Collection method: clinical testing. Allele origin: unknown.

Ambry Genetics
Classification: Uncertain significance for Hereditary cancer-predisposing syndrome. Last evaluated: 2022-03-15. Review status: criteria provided, single submitter. Criteria: Ambry Variant Classification Scheme 2023. Collection method: clinical testing. Allele origin: germline.
Comment: The p.D244N variant (also known as c.730G>A), located in coding exon 4 of the PDGFRA gene, results from a G to A substitution at nucleotide position 730. The aspartic acid at codon 244 is replaced by asparagine, an amino acid with highly similar properties. This amino acid position is conserved. In addition, this alteration is predicted to be tolerated by in silico analysis. Since supporting evidence is limited at this time, the clinical significance of this alteration remains unclear.

NM_006206.6(PDGFRA):c.730G>A (p.Asp244Asn)

Gene: PDGFRA (platelet derived growth factor receptor alpha; plus strand). Cytogenetic location: 4q12.
Variant type: single nucleotide variant.
Coding change: c.730G>A on transcript NM_006206.6 (MANE Select); coding-DNA position 730, G replaced by A.
Protein change: p.Asp244Asn; replaces aspartic acid 244 with asparagine.
Molecular consequence: missense variant.
Genome position (GRCh38, 1-based): chr4:54,265,020, G>A. VCF-style: chr4-54265020-G-A. GRCh37 (hg19) VCF-style: chr4-55131187-G-A.
Other names: c.730G>A, p.Asp244Asn (NM_001347827.2, NM_001347829.2); c.805G>A, p.Asp269Asn (NM_001347828.2); c.769G>A, p.Asp257Asn (NM_001347830.2); short protein forms D244N, D269N, D257N.
Identifiers: ClinVar variation 1512628 (VCV001512628.18), dbSNP rs1722958396, ClinGen allele CA356890969.
Genomic context (GRCh38, chr4:54,265,020, plus strand): 5'-GTGTATAAGTCAGGGGAAACGATTGTGGTCACCTGTGCTGTTTTTAACAATGAGGTGGTT[G>A]ACCTTCAATGGACTTACCCTGGAGAAGTGGTAGGTACCCTCAAAACGTGCAATGGCTTGG-3'
Protein context (NP_006197.1, residues 234-254): TCAVFNNEVV[Asp244Asn]LQWTYPGEVK